The following is an entry in ClinVar:

ClinVar aggregate classification (germline): Uncertain significance (1 of 4 stars; one submission).

Allele frequency attached by ClinVar (database versions not stated): gnomAD 0.00001.

Submission:

Labcorp Genetics (formerly Invitae), Labcorp
Classification: Uncertain significance. Last evaluated: 2021-05-18. Review status: criteria provided, single submitter. Criteria: Invitae Variant Classification Sherloc (09022015). Collection method: clinical testing. Allele origin: germline.
Comment: In summary, the available evidence is currently insufficient to determine the role of this variant in disease. Therefore, it has been classified as a Variant of Uncertain Significance. This sequence change replaces threonine with isoleucine at codon 46 of the FLVCR1 protein (p.Thr46Ile). The threonine residue is weakly conserved and there is a moderate physicochemical difference between threonine and isoleucine. The frequency data for this variant in the population databases is considered unreliable, as metrics indicate insufficient coverage at this position in the ExAC database. This variant has not been reported in the literature in individuals with FLVCR1-related conditions. Algorithms developed to predict the effect of missense changes on protein structure and function (SIFT, PolyPhen-2, Align-GVGD) all suggest that this variant is likely to be tolerated, but these predictions have not been confirmed by published functional studies and their clinical significance is uncertain.

NM_014053.4(FLVCR1):c.137C>T (p.Thr46Ile)

Genes: FLVCR1 (FLVCR choline and heme transporter 1; plus strand), LOC129932486 (ATAC-STARR-seq lymphoblastoid silent region 1807; plus strand). Cytogenetic location: 1q32.3.
Variant type: single nucleotide variant.
Coding change: c.137C>T on transcript NM_014053.4 (MANE Select); coding-DNA position 137, C replaced by T.
Protein change: p.Thr46Ile; replaces threonine 46 with isoleucine.
Molecular consequence: missense variant.
Genome position (GRCh38, 1-based): chr1:212,858,589, C>T. VCF-style: chr1-212858589-C-T. GRCh37 (hg19) VCF-style: chr1-213031931-C-T.
Other names: short protein forms T46I.
Identifiers: ClinVar variation 1514463 (VCV001514463.8), dbSNP rs1572001487, ClinGen allele CA344795316.